The following is an entry in ClinVar:

NM_005045.4(RELN):c.6575G>A (p.Arg2192Gln)

Gene: RELN (reelin; minus strand). Cytogenetic location: 7q22.1.
Variant type: single nucleotide variant.
Coding change: c.6575G>A on transcript NM_005045.4 (MANE Select); coding-DNA position 6575, G replaced by A.
Protein change: p.Arg2192Gln; replaces arginine 2192 with glutamine.
Molecular consequence: missense variant.
Genome position (GRCh38, 1-based): chr7:103,542,827, C>T on the plus strand (G>A on the coding strand, the complement: RELN is on the minus strand). VCF-style: chr7-103542827-C-T. GRCh37 (hg19) VCF-style: chr7-103183274-C-T.
Other names: c.6575G>A, p.Arg2192Gln (NM_173054.3); short protein forms R2192Q.
Identifiers: ClinVar variation 1972540 (VCV001972540.5), dbSNP rs1309424440, ClinGen allele CA368770508.

ClinVar aggregate classification (germline): Uncertain significance (1 of 4 stars; one submission).

Conditions:
Norman-Roberts syndrome (LIS2). Also called: Lissencephaly 2 (Norman-Roberts type). Identifiers: Orphanet 89844, MedGen C0796089, MONDO:0009760, OMIM 257320.
Familial temporal lobe epilepsy 7. Identifiers: Orphanet 101046, MedGen C4225327, MONDO:0014639, OMIM 616436.

gnomAD v4.1: 4 of 1,613,904 alleles (0.00025%); highest among the groups gnomAD compares: Middle Eastern, 0.016%; no homozygotes.

Submission:

Labcorp Genetics (formerly Invitae), Labcorp
Classification: Uncertain significance for Familial temporal lobe epilepsy 7; Norman-Roberts syndrome. Last evaluated: 2025-06-15. Review status: criteria provided, single submitter. Criteria: Invitae Variant Classification Sherloc (09022015). Collection method: clinical testing. Allele origin: germline.
Comment: This sequence change replaces arginine, which is basic and polar, with glutamine, which is neutral and polar, at codon 2192 of the RELN protein (p.Arg2192Gln). This variant is not present in population databases (gnomAD no frequency). This variant has not been reported in the literature in individuals affected with RELN-related conditions. ClinVar contains an entry for this variant (Variation ID: 1972540). Invitae Evidence Modeling of protein sequence and biophysical properties (such as structural, functional, and spatial information, amino acid conservation, physicochemical variation, residue mobility, and thermodynamic stability) indicates that this missense variant is not expected to disrupt RELN protein function with a negative predictive value of 80%. In summary, the available evidence is currently insufficient to determine the role of this variant in disease. Therefore, it has been classified as a Variant of Uncertain Significance.